The following is an entry in ClinVar:

ClinVar aggregate classification (germline): Uncertain significance. Review status: criteria provided, multiple submitters, no conflicts (2 of 4 stars). 2 submissions from 2 submitters: Uncertain significance (2). Last evaluated 2022-04-29.

Conditions:
Hereditary cancer-predisposing syndrome. Also called: Neoplastic Syndromes, Hereditary; Hereditary Cancer Syndrome; Tumor predisposition; Hereditary neoplastic syndrome. Identifiers: Orphanet 140162, MedGen C0027672, MeSH D009386, MONDO:0015356.
Ataxia-telangiectasia syndrome (AT). Also called: LOUIS-BAR SYNDROME; Cerebello-oculocutaneous telangiectasia; Immunodeficiency with ataxia telangiectasia; Ataxia-telangiectasia, complementation group D; AT, COMPLEMENTATION GROUP C; Ataxia-telangiectasia, complementation group E. Identifiers: Orphanet 100, MedGen C0004135, MONDO:0008840, OMIM 208900.

Submissions (2):

Labcorp Genetics (formerly Invitae), Labcorp
Classification: Uncertain significance for Ataxia-telangiectasia syndrome. Last evaluated: 2022-04-29. Review status: criteria provided, single submitter. Criteria: Invitae Variant Classification Sherloc (09022015). Collection method: clinical testing. Allele origin: germline.
Comment: In summary, the available evidence is currently insufficient to determine the role of this variant in disease. Therefore, it has been classified as a Variant of Uncertain Significance. Advanced modeling of protein sequence and biophysical properties (such as structural, functional, and spatial information, amino acid conservation, physicochemical variation, residue mobility, and thermodynamic stability) performed at Invitae indicates that this missense variant is expected to disrupt ATM protein function. ClinVar contains an entry for this variant (Variation ID: 481052). This variant has not been reported in the literature in individuals affected with ATM-related conditions. This variant is not present in population databases (gnomAD no frequency). This sequence change replaces leucine, which is neutral and non-polar, with tryptophan, which is neutral and slightly polar, at codon 2965 of the ATM protein (p.Leu2965Trp).

Ambry Genetics
Classification: Uncertain significance for Hereditary cancer-predisposing syndrome. Last evaluated: 2016-04-09. Review status: criteria provided, single submitter. Criteria: Ambry Variant Classification Scheme 2023. Collection method: clinical testing. Allele origin: germline.
Comment: The p.L2965W variant (also known as c.8894T>G), located in coding exon 61 of the ATM gene, results from a T to G substitution at nucleotide position 8894. The leucine at codon 2965 is replaced by tryptophan, an amino acid with similar properties. This variant was not reported in population based cohorts in the following databases: Database of Single Nucleotide Polymorphisms (dbSNP), NHLBI Exome Sequencing Project (ESP), and 1000 Genomes Project. In the ESP, this variant was not observed in 6499 samples (12998 alleles) with coverage at this position. To date, this alteration has been detected with an allele frequency of approximately 0.001% (greater than 125000 alleles tested) in our clinical cohort. This amino acid position is highly conserved in available vertebrate species. In addition, this alteration is predicted to be deleterious by in silico analysis. Since supporting evidence is limited at this time, the clinical significance of this alteration remains unclear.

NM_000051.4(ATM):c.8894T>G (p.Leu2965Trp)

Genes: C11orf65 (chromosome 11 open reading frame 65; minus strand), ATM (ATM serine/threonine kinase; plus strand). Cytogenetic location: 11q22.3.
Variant type: single nucleotide variant.
Coding change: c.8894T>G on transcript NM_000051.4 (MANE Select); coding-DNA position 8894, T replaced by G.
Protein change: p.Leu2965Trp; replaces leucine 2965 with tryptophan.
Molecular consequence: missense variant. On other transcripts: intron variant (2).
Genome position (GRCh38, 1-based): chr11:108,365,125, T>G. VCF-style: chr11-108365125-T-G. GRCh37 (hg19) VCF-style: chr11-108235852-T-G.
Other names: c.8894T>G, p.Leu2965Trp (NM_001351834.2); c.640+20795A>C (NM_001330368.2); c.694+20795A>C (NM_001351110.2); short protein forms L2965W.
Identifiers: ClinVar variation 481052 (VCV000481052.13), dbSNP rs1555151299, ClinGen allele CA382529773.